The following is an entry in ClinVar:

ClinVar aggregate classification (germline): Uncertain significance (1 of 4 stars; one submission).

Conditions:
Haddad syndrome (OHD). Also called: Ondine-Hirschsprung disease. Identifiers: Orphanet 99803, MedGen C1859049, MONDO:0020493.

Submission:

Labcorp Genetics (formerly Invitae), Labcorp
Classification: Uncertain significance for Haddad syndrome. Last evaluated: 2020-03-25. Review status: criteria provided, single submitter. Criteria: Invitae Variant Classification Sherloc (09022015). Collection method: clinical testing. Allele origin: germline.
Comment: This sequence change replaces phenylalanine with cysteine at codon 42 of the PHOX2B protein (p.Phe42Cys). The phenylalanine residue is highly conserved and there is a large physicochemical difference between phenylalanine and cysteine. In summary, the available evidence is currently insufficient to determine the role of this variant in disease. Therefore, it has been classified as a Variant of Uncertain Significance. This variant is not present in population databases (ExAC no frequency). This variant has not been reported in the literature in individuals with PHOX2B-related conditions. Algorithms developed to predict the effect of missense changes on protein structure and function (SIFT, PolyPhen-2, Align-GVGD) all suggest that this variant is likely to be disruptive, but these predictions have not been confirmed by published functional studies and their clinical significance is uncertain.

NM_003924.4(PHOX2B):c.125T>G (p.Phe42Cys)

Genes: PHOX2B (paired like homeobox 2B; minus strand), PHOX2B-AS1 (PHOX2B antisense RNA 1; plus strand). Cytogenetic location: 4p13.
Variant type: single nucleotide variant.
Coding change: c.125T>G on transcript NM_003924.4 (MANE Select); coding-DNA position 125, T replaced by G.
Protein change: p.Phe42Cys; replaces phenylalanine 42 with cysteine.
Molecular consequence: missense variant.
Genome position (GRCh38, 1-based): chr4:41,748,486, A>C on the plus strand (T>G on the coding strand, the complement: PHOX2B is on the minus strand). VCF-style: chr4-41748486-A-C. GRCh37 (hg19) VCF-style: chr4-41750503-A-C.
Other names: short protein forms F42C.
Identifiers: ClinVar variation 1035187 (VCV001035187.9), dbSNP rs1733984320, ClinGen allele CA356741029.